The following is an entry in ClinVar:

NM_182961.4(SYNE1):c.6358G>A (p.Asp2120Asn)

Gene: SYNE1 (spectrin repeat containing nuclear envelope protein 1; minus strand). Cytogenetic location: 6q25.2.
Variant type: single nucleotide variant.
Coding change: c.6358G>A on transcript NM_182961.4 (MANE Select); coding-DNA position 6358, G replaced by A.
Protein change: p.Asp2120Asn; replaces aspartic acid 2120 with asparagine.
Molecular consequence: missense variant.
Genome position (GRCh38, 1-based): chr6:152,409,582, C>T on the plus strand (G>A on the coding strand, the complement: SYNE1 is on the minus strand). VCF-style: chr6-152409582-C-T. GRCh37 (hg19) VCF-style: chr6-152730717-C-T.
Other names: c.6379G>A, p.Asp2127Asn (NM_033071.5); short protein forms D2120N, D2127N.
Identifiers: ClinVar variation 2436572 (VCV002436572.6), dbSNP rs749290417, ClinGen allele CA4058104.

ClinVar aggregate classification (germline): Uncertain significance. Review status: criteria provided, multiple submitters, no conflicts (2 of 4 stars). 2 submissions from 2 submitters: Uncertain significance (2). Last evaluated 2023-12-14.

Conditions:
Emery-Dreifuss muscular dystrophy 4, autosomal dominant (EDMD4). Also called: EMERY-DREIFUSS MUSCULAR DYSTROPHY 4 WITH VARIABLE FEATURES. Identifiers: Orphanet 261, MedGen C2751807, MONDO:0013071, OMIM 612998.
Autosomal recessive ataxia, Beauce type. Also called: ATAXIA, RECESSIVE, OF BEAUCE; SYNE1 Deficiency; Spinocerebellar ataxia, autosomal recessive 8; SYNE1-Related Autosomal Recessive Cerebellar Ataxia. Identifiers: Orphanet 88644, MedGen C1853116, MONDO:0012549, OMIM 610743.

Allele frequency attached by ClinVar (database versions not stated): ExAC 0.00001; gnomAD exomes 0.00001; gnomAD 0.00002.
gnomAD v4.1: 11 of 1,613,666 alleles (0.00068%); highest among the groups gnomAD compares: African/African-American, 0.0067%; no homozygotes.

Submissions (2):

Labcorp Genetics (formerly Invitae), Labcorp
Classification: Uncertain significance for Emery-Dreifuss muscular dystrophy 4, autosomal dominant; Autosomal recessive ataxia, Beauce type. Last evaluated: 2023-12-14. Review status: criteria provided, single submitter. Criteria: Invitae Variant Classification Sherloc (09022015). Collection method: clinical testing. Allele origin: germline.
Comment: This sequence change replaces aspartic acid, which is acidic and polar, with asparagine, which is neutral and polar, at codon 2127 of the SYNE1 protein (p.Asp2127Asn). This variant is present in population databases (rs749290417, gnomAD 0.007%). This variant has not been reported in the literature in individuals affected with SYNE1-related conditions. ClinVar contains an entry for this variant (Variation ID: 2436572). An algorithm developed to predict the effect of missense changes on protein structure and function (PolyPhen-2) suggests that this variant is likely to be disruptive. In summary, the available evidence is currently insufficient to determine the role of this variant in disease. Therefore, it has been classified as a Variant of Uncertain Significance.

Revvity Omics, Revvity
Classification: Uncertain significance. Last evaluated: 2022-06-01. Review status: criteria provided, single submitter. Criteria: ACMG Guidelines, 2015. Collection method: clinical testing. Allele origin: germline.